The following is an entry in ClinVar:

ClinVar aggregate classification (germline): Conflicting classifications of pathogenicity. Review status: criteria provided, conflicting classifications (1 of 4 stars). 4 submissions from 4 submitters: Uncertain significance (3); Likely benign (1). Last evaluated 2026-05-11.

Conditions:
Primary ciliary dyskinesia. Also called: Ciliary dyskinesia. Identifiers: Orphanet 244, MedGen C0008780, MONDO:0016575, HP:0012265.
OFD1-related disorder. Also called: OFD1-related condition.
Joubert syndrome. Also called: Familial aplasia of the vermis; JOUBERT-BOLTSHAUSER SYNDROME. Identifiers: Orphanet 475, MedGen C5979921, MONDO:0018772.
Orofaciodigital syndrome I (OFD1). Also called: Papillon-Leage and Psaume Syndrome; OFDS I; Oral-Facial-Digital Syndrome Type I. Identifiers: Orphanet 2750, MedGen C1510460, MONDO:0010702, OMIM 311200.

Allele frequency attached by ClinVar (database versions not stated): gnomAD exomes 0.00001; ExAC 0.00002; gnomAD 0.00008 and 0.00010; TOPMed 0.00008.
gnomAD v4.1: 16 of 1,207,796 alleles (0.0013%); highest among the groups gnomAD compares: African/African-American, 0.028%; no homozygotes.

Submissions (5):

PreventionGenetics, part of Exact Sciences
Classification: Uncertain significance for OFD1-related condition. Last evaluated: 2026-05-11. Review status: criteria provided, single submitter. Criteria: ACMG Guidelines, 2015. Collection method: clinical testing. Allele origin: germline.
Comment: The OFD1 c.1128A>C variant is predicted to result in the amino acid substitution p.Lys376Asn. To our knowledge, this variant has not been reported in the literature. This variant is reported in 0.021% of alleles in individuals of African descent in gnomAD. Although we suspect that this variant may be benign, at this time, the clinical significance of this variant is uncertain due to the absence of conclusive functional and genetic evidence.

Labcorp Genetics (formerly Invitae), Labcorp
Classification: Uncertain significance for Orofaciodigital syndrome I; Joubert syndrome. Last evaluated: 2025-11-17. Review status: criteria provided, single submitter. Criteria: Invitae Variant Classification Sherloc (09022015). Collection method: clinical testing. Allele origin: germline.
Comment: This sequence change replaces lysine, which is basic and polar, with asparagine, which is neutral and polar, at codon 376 of the OFD1 protein (p.Lys376Asn). This variant is present in population databases (rs758883184, gnomAD 0.02%). This variant has not been reported in the literature in individuals affected with OFD1-related conditions. ClinVar contains an entry for this variant (Variation ID: 1364397). An algorithm developed to predict the effect of missense changes on protein structure and function (PolyPhen-2) suggests that this variant is likely to be disruptive. Algorithms developed to predict the effect of sequence changes on RNA splicing suggest that this variant may disrupt the consensus splice site. In summary, the available evidence is currently insufficient to determine the role of this variant in disease. Therefore, it has been classified as a Variant of Uncertain Significance.

Ambry Genetics
Classification: Likely benign for Primary ciliary dyskinesia. Last evaluated: 2024-07-14. Review status: criteria provided, single submitter. Criteria: Ambry Variant Classification Scheme 2023. Collection method: clinical testing. Allele origin: germline.

Women's Health and Genetics/Laboratory Corporation of America, LabCorp
Classification: Uncertain significance. Last evaluated: 2024-01-31. Review status: criteria provided, single submitter. Criteria: LabCorp Variant Classification Summary - May 2015. Collection method: clinical testing. Allele origin: germline.
Comment: Variant summary: OFD1 c.1128A>C (p.Lys376Asn) results in a non-conservative amino acid change in the encoded protein sequence. Five of five in-silico tools predict a damaging effect of the variant on protein function. Several computational tools predict a significant impact on normal splicing: One predict the variant abolishes a canonical 5' splicing donor site. Two predict the variant weakens a canonical 5' donor site. However, these predictions have yet to be confirmed by functional studies. The variant allele was found at a frequency of 1.3e-05 in 1207796 control chromosomes, including 5 hemizygotes (gnomAD). To our knowledge, no occurrence of c.1128A>C in individuals affected with Orofaciodigital Syndrome I and no experimental evidence demonstrating its impact on protein function have been reported. ClinVar contains an entry for this variant (Variation ID: 1364397). Based on the evidence outlined above, the variant was classified as uncertain significance.

Dr. Peter K. Rogan Lab, Western University
No classification provided (evidence only). Condition: Cervical cancer. Review status: no classification provided. Collection method: in vitro. Allele origin: not applicable. Functional consequence: skipped exon. Not counted in ClinVar's aggregate classification.

NM_003611.3(OFD1):c.1128A>C (p.Lys376Asn)

Gene: OFD1 (OFD1 centriole and centriolar satellite protein; plus strand). Cytogenetic location: Xp22.2.
Variant type: single nucleotide variant.
Coding change: c.1128A>C on transcript NM_003611.3 (MANE Select); coding-DNA position 1128, A replaced by C.
Protein change: p.Lys376Asn; replaces lysine 376 with asparagine.
Molecular consequence: missense variant.
Genome position (GRCh38, 1-based): chrX:13,753,440, A>C. VCF-style: chrX-13753440-A-C. GRCh37 (hg19) VCF-style: chrX-13771559-A-C.
Other names: c.1128A>C (NM_003611.2); c.1008A>C, p.Lys336Asn (NM_001330209.2); c.708A>C, p.Lys236Asn (NM_001330210.2); short protein forms K236N, K336N, K376N.
Identifiers: ClinVar variation 1364397 (VCV001364397.10), dbSNP rs758883184, ClinGen allele CA10351751.